The following is an entry in ClinVar:

ClinVar aggregate classification (germline): Uncertain significance (1 of 4 stars; one submission).

Conditions:
Inborn genetic diseases. Identifiers: MedGen C0950123, MeSH D030342.

Submission:

Ambry Genetics
Classification: Uncertain significance for Inborn genetic diseases. Last evaluated: 2025-10-07. Review status: criteria provided, single submitter. Criteria: Ambry Variant Classification Scheme 2023. Collection method: clinical testing. Allele origin: germline.
Comment: The p.G1346W variant (also known as c.4036G>T), located in coding exon 1 of the SAMD9 gene, results from a G to T substitution at nucleotide position 4036. The glycine at codon 1346 is replaced by tryptophan, an amino acid with highly dissimilar properties. This amino acid position is conserved. In addition, the in silico prediction for this alteration is inconclusive. Based on the available evidence, the clinical significance of this variant remains unclear.

NM_017654.4(SAMD9):c.4036G>T (p.Gly1346Trp)

Gene: SAMD9 (sterile alpha motif domain containing 9; minus strand). Cytogenetic location: 7q21.2.
Variant type: single nucleotide variant.
Coding change: c.4036G>T on transcript NM_017654.4 (MANE Select); coding-DNA position 4036, G replaced by T.
Protein change: p.Gly1346Trp; replaces glycine 1346 with tryptophan.
Molecular consequence: missense variant.
Genome position (GRCh38, 1-based): chr7:93,102,062, C>A on the plus strand (G>T on the coding strand, the complement: SAMD9 is on the minus strand). VCF-style: chr7-93102062-C-A. GRCh37 (hg19) VCF-style: chr7-92731375-C-A.
Other names: c.4036G>T, p.Gly1346Trp (NM_001193307.2); short protein forms G1346W.
Identifiers: ClinVar variation 4629853 (VCV004629853.1).
Genomic context (GRCh38, chr7:93,102,062, plus strand): 5'-CTATACATTTCATAGTGCTTATAGCATCCTCTTGACTTTTGATAAGATATTCCAAGAGCC[C>A]AGAAAACTTGTCTGCTTTTAAAGCTACTAGGTTTCTCCTGCATCTCTCTACTTGAAGTGG-3'
Protein context (NP_060124.2, residues 1336-1356): LVALKADKFS[Gly1346Trp]LLEYLIKSQE